The following is an entry in ClinVar:

ClinVar aggregate classification (germline): Uncertain significance (1 of 4 stars; one submission).

Submission:

Labcorp Genetics (formerly Invitae), Labcorp
Classification: Uncertain significance. Last evaluated: 2022-06-08. Review status: criteria provided, single submitter. Criteria: Invitae Variant Classification Sherloc (09022015). Collection method: clinical testing. Allele origin: germline.
Comment: This sequence change replaces isoleucine, which is neutral and non-polar, with methionine, which is neutral and non-polar, at codon 633 of the LRRC8A protein (p.Ile633Met). This variant is not present in population databases (gnomAD no frequency). This variant has not been reported in the literature in individuals affected with LRRC8A-related conditions. Algorithms developed to predict the effect of missense changes on protein structure and function are either unavailable or do not agree on the potential impact of this missense change (SIFT: "Deleterious"; PolyPhen-2: "Probably Damaging"; Align-GVGD: "Class C0"). In summary, the available evidence is currently insufficient to determine the role of this variant in disease. Therefore, it has been classified as a Variant of Uncertain Significance.

NM_019594.4(LRRC8A):c.1899C>G (p.Ile633Met)

Gene: LRRC8A (leucine rich repeat containing 8 VRAC subunit A; plus strand). Cytogenetic location: 9q34.11.
Variant type: single nucleotide variant.
Coding change: c.1899C>G on transcript NM_019594.4 (MANE Select); coding-DNA position 1899, C replaced by G.
Protein change: p.Ile633Met; replaces isoleucine 633 with methionine.
Molecular consequence: missense variant.
Genome position (GRCh38, 1-based): chr9:128,909,063, C>G. VCF-style: chr9-128909063-C-G. GRCh37 (hg19) VCF-style: chr9-131671342-C-G.
Other names: c.1899C>G, p.Ile633Met (NM_001127244.2, NM_001127245.2); short protein forms I633M.
Identifiers: ClinVar variation 2002839 (VCV002002839.4), dbSNP rs2491883044, ClinGen allele CA375084996.
Genomic context (GRCh38, chr9:128,909,063, plus strand): 5'-CCACAACCTGCAGGAGATTGACCTCAAGGACAACAACCTCAAGACCATCGAGGAGATCAT[C>G]AGCTTCCAGCACCTGCACCGCCTCACCTGCCTTAAGCTGTGGTACAACCACATCGCCTAC-3'
Protein context (NP_062540.2, residues 623-643): DNNLKTIEEI[Ile633Met]SFQHLHRLTC